The following is an entry in ClinVar:

ClinVar aggregate classification (germline): Conflicting classifications of pathogenicity. Review status: criteria provided, conflicting classifications (1 of 4 stars). 3 submissions from 3 submitters: Uncertain significance (1); Likely benign (2). Last evaluated 2025-09-06.

Conditions:
Kufor-Rakeb syndrome (KRS). Also called: PARKINSON DISEASE 9, AUTOSOMAL RECESSIVE, JUVENILE-ONSET. Identifiers: Orphanet 306674, Orphanet 314632, MedGen C1847640, MONDO:0011706, OMIM 606693.
Autosomal recessive spastic paraplegia type 78. Identifiers: Orphanet 513436, MedGen C5567893, MONDO:0014975, OMIM 617225.

Allele frequency attached by ClinVar (database versions not stated): gnomAD 0.00001; TOPMed 0.00001; ExAC 0.00002; gnomAD exomes 0.00002.
gnomAD v4.1: 10 of 1,613,536 alleles (0.00062%); highest among the groups gnomAD compares: East Asian, 0.0045%; no homozygotes.

Submissions (3):

Labcorp Genetics (formerly Invitae), Labcorp
Classification: Likely benign for Kufor-Rakeb syndrome; Autosomal recessive spastic paraplegia type 78. Last evaluated: 2025-09-06. Review status: criteria provided, single submitter. Criteria: Invitae Variant Classification Sherloc (09022015). Collection method: clinical testing. Allele origin: germline.

CeGaT Center for Human Genetics Tuebingen
Classification: Likely benign. Last evaluated: 2024-04-01. Review status: criteria provided, single submitter. Criteria: CeGaT Center For Human Genetics Tuebingen Variant Classification Criteria Version 2. Collection method: clinical testing. Allele origin: germline. Affected: yes. Observed: 1 variant allele.
Comment: ATP13A2: BP4, BP7

Illumina Laboratory Services, Illumina
Classification: Uncertain significance for Kufor-Rakeb syndrome. Last evaluated: 2018-01-13. Review status: criteria provided, single submitter. Criteria: ICSL Variant Classification Criteria 13 December 2019. Collection method: clinical testing. Allele origin: germline.

NM_022089.4(ATP13A2):c.1065G>A (p.Thr355=)

Gene: ATP13A2 (ATPase cation transporting 13A2; minus strand). Cytogenetic location: 1p36.13.
Variant type: single nucleotide variant.
Coding change: c.1065G>A on transcript NM_022089.4 (MANE Select); coding-DNA position 1065, G replaced by A.
Protein change: p.Thr355=; no amino-acid change (threonine 355 retained).
Molecular consequence: synonymous variant.
Genome position (GRCh38, 1-based): chr1:16,997,150, C>T on the plus strand (G>A on the coding strand, the complement: ATP13A2 is on the minus strand). VCF-style: chr1-16997150-C-T. GRCh37 (hg19) VCF-style: chr1-17323645-C-T.
Other names: c.1050G>A, p.Thr350= (NM_001141973.3, NM_001141974.3).
Identifiers: ClinVar variation 293800 (VCV000293800.26), dbSNP rs750819290, ClinGen allele CA637380.